The following is an entry in ClinVar:

ClinVar aggregate classification (germline): Uncertain significance. Review status: criteria provided, multiple submitters, no conflicts (2 of 4 stars). 5 submissions from 4 submitters: Uncertain significance (5). Last evaluated 2025-08-18.

Conditions:
GLE1-related disorder. Also called: GLE1-related disorders; GLE1-related condition.
Lethal congenital contracture syndrome 1 (LCCS1). Also called: MULTIPLE CONTRACTURE SYNDROME, FINNISH TYPE. Identifiers: Orphanet 1486, MedGen C1854664, MONDO:0009670, OMIM 253310.
Inborn genetic diseases. Identifiers: MedGen C0950123, MeSH D030342.
Lethal arthrogryposis-anterior horn cell disease syndrome (CAAHD). Also called: CONGENITAL ARTHROGRYPOSIS WITH ANTERIOR HORN CELL DISEASE. Identifiers: Orphanet 53696, MedGen C5193016, MONDO:0012750, OMIM 611890.

Allele frequency attached by ClinVar (database versions not stated): ExAC 0.00007; gnomAD exomes 0.00007 and 0.00022; TOPMed 0.00015; 1000 Genomes Project 30x 0.00016; gnomAD 0.00016 and 0.00019; 1000 Genomes Project 0.00020; ESP Exome Variant Server 0.00039.
gnomAD v4.1: 359 of 1,604,656 alleles (0.022%); highest among the groups gnomAD compares: Non-Finnish European, 0.028%; no homozygotes.

Submissions (5):

PreventionGenetics, part of Exact Sciences
Classification: Uncertain significance for GLE1-related condition. Last evaluated: 2025-08-18. Review status: criteria provided, single submitter. Criteria: ACMG Guidelines, 2015. Collection method: clinical testing. Allele origin: germline.
Comment: The GLE1 c.1109C>T variant is predicted to result in the amino acid substitution p.Pro370Leu. To our knowledge, this variant has not been reported in the literature. This variant is reported in 0.018% of alleles in individuals of European (Non-Finnish) descent in gnomAD. At this time, the clinical significance of this variant is uncertain due to the absence of conclusive functional and genetic evidence.

Ambry Genetics
Classification: Uncertain significance for Inborn genetic diseases. Last evaluated: 2025-07-02. Review status: criteria provided, single submitter. Criteria: Ambry Variant Classification Scheme 2023. Collection method: clinical testing. Allele origin: germline.

Revvity Omics, Revvity
Classification: Uncertain significance. Last evaluated: 2022-06-30. Review status: criteria provided, single submitter. Criteria: ACMG Guidelines, 2015. Collection method: clinical testing. Allele origin: germline.

Illumina Laboratory Services, Illumina
Classification: Uncertain significance for Lethal arthrogryposis-anterior horn cell disease syndrome. Last evaluated: 2018-01-13. Review status: criteria provided, single submitter. Criteria: ICSL Variant Classification Criteria 13 December 2019. Collection method: clinical testing. Allele origin: germline.

Illumina Laboratory Services, Illumina
Classification: Uncertain significance for Lethal congenital contracture syndrome 1. Last evaluated: 2018-01-13. Review status: criteria provided, single submitter. Criteria: ICSL Variant Classification Criteria 13 December 2019. Collection method: clinical testing. Allele origin: germline.

NM_001003722.2(GLE1):c.1109C>T (p.Pro370Leu)

Gene: GLE1 (GLE1 RNA export mediator; plus strand). Cytogenetic location: 9q34.11.
Variant type: single nucleotide variant.
Coding change: c.1109C>T on transcript NM_001003722.2 (MANE Select); coding-DNA position 1109, C replaced by T.
Protein change: p.Pro370Leu; replaces proline 370 with leucine.
Molecular consequence: missense variant.
Genome position (GRCh38, 1-based): chr9:128,525,403, C>T. VCF-style: chr9-128525403-C-T. GRCh37 (hg19) VCF-style: chr9-131287682-C-T.
Other names: c.1109C>T, p.Pro370Leu (NM_001499.2); short protein forms P370L.
Identifiers: ClinVar variation 913605 (VCV000913605.10), dbSNP rs147123899, ClinGen allele CA5263773.